The following is an entry in ClinVar:

ClinVar aggregate classification (germline): Uncertain significance. Review status: criteria provided, multiple submitters, no conflicts (2 of 4 stars). 2 submissions from 2 submitters: Uncertain significance (2). Last evaluated 2024-09-27.

Conditions:
Inborn genetic diseases. Identifiers: MedGen C0950123, MeSH D030342.
Muscular dystrophy-dystroglycanopathy (congenital with impaired intellectual development), type B, 14. Also called: MUSCULAR DYSTROPHY, CONGENITAL, GMPPB-RELATED; Congenital muscular dystrophy-dystroglycanopathy with mental retardation, type B14; Muscular dystrophy-dystroglycanopathy (congenital with intellectual disability), type B14. Identifiers: MedGen C3809221, MONDO:0014141, OMIM 615351.
Muscular dystrophy-dystroglycanopathy (congenital with brain and eye anomalies), type A14. Also called: WALKER-WARBURG SYNDROME OR MUSCLE-EYE-BRAIN DISEASE, GMPPB-RELATED; Muscular dystrophy-dystroglycanopathy (congenital with brain and eye anomalies), type a, 14; Congenital Muscular Dystrophy-Dystroglycanopathy with Brain and Eye Anomalies Type A 14; Congenital muscular dystrophy-dystroglycanopathy with brain and eye anomalies, type A14. Identifiers: Orphanet 588, MedGen C3809216, MONDO:0014140, OMIM 615350.
Autosomal recessive limb-girdle muscular dystrophy type 2T. Also called: MUSCULAR DYSTROPHY-DYSTROGLYCANOPATHY, LIMB-GIRDLE, GMPPB-RELATED; MUSCULAR DYSTROPHY, LIMB-GIRDLE, TYPE 2T; Muscular dystrophy-dystroglycanopathy (limb-girdle), type c, 14; Limb-girdle muscular dystrophy-dystroglycanopathy, type C14. Identifiers: Orphanet 363623, MedGen C4518000, MONDO:0014142, OMIM 615352.

Allele frequency attached by ClinVar (database versions not stated): gnomAD exomes below 0.00001; ExAC 0.00002; TOPMed 0.00001.

Submissions (2):

Ambry Genetics
Classification: Uncertain significance for Inborn genetic diseases. Last evaluated: 2024-09-27. Review status: criteria provided, single submitter. Criteria: Ambry Variant Classification Scheme 2023. Collection method: clinical testing. Allele origin: germline.

Labcorp Genetics (formerly Invitae), Labcorp
Classification: Uncertain significance for Autosomal recessive limb-girdle muscular dystrophy type 2T; Muscular dystrophy-dystroglycanopathy (congenital with brain and eye anomalies), type A14; Muscular dystrophy-dystroglycanopathy (congenital with impaired intellectual development), type B, 14. Last evaluated: 2024-09-09. Review status: criteria provided, single submitter. Criteria: Invitae Variant Classification Sherloc (09022015). Collection method: clinical testing. Allele origin: germline.
Comment: This sequence change replaces cysteine, which is neutral and slightly polar, with serine, which is neutral and polar, at codon 312 of the GMPPB protein (p.Cys312Ser). This variant is present in population databases (rs769076864, gnomAD 0.003%). This variant has not been reported in the literature in individuals affected with GMPPB-related conditions. ClinVar contains an entry for this variant (Variation ID: 1974984). Invitae Evidence Modeling of protein sequence and biophysical properties (such as structural, functional, and spatial information, amino acid conservation, physicochemical variation, residue mobility, and thermodynamic stability) indicates that this missense variant is not expected to disrupt GMPPB protein function with a negative predictive value of 80%. In summary, the available evidence is currently insufficient to determine the role of this variant in disease. Therefore, it has been classified as a Variant of Uncertain Significance.

NM_021971.4(GMPPB):c.935G>C (p.Cys312Ser)

Gene: GMPPB (GDP-mannose pyrophosphorylase B; minus strand). Cytogenetic location: 3p21.31.
Variant type: single nucleotide variant.
Coding change: c.935G>C on transcript NM_021971.4 (MANE Select); coding-DNA position 935, G replaced by C.
Protein change: p.Cys312Ser; replaces cysteine 312 with serine.
Molecular consequence: missense variant.
Genome position (GRCh38, 1-based): chr3:49,721,981, C>G on the plus strand (G>C on the coding strand, the complement: GMPPB is on the minus strand). VCF-style: chr3-49721981-C-G. GRCh37 (hg19) VCF-style: chr3-49759414-C-G.
Other names: c.935G>C (NM_013334.2); c.935G>C, p.Cys312Ser (NM_013334.4); short protein forms C312S.
Identifiers: ClinVar variation 1974984 (VCV001974984.6), dbSNP rs769076864, ClinGen allele CA2405405.
Genomic context (GRCh38, chr3:49,721,981, plus strand): 5'-CACTCCCCGCCCCTCTCCCCACCCAGCCCAGCCCACAGGCTTACCCACTGACCCACGCGG[C>G]AGCGCCAGCCCACAATGCAGGACTCAAGCCAGGAATGGGAACGGATCCGGGCATCCCGCA-3'
Protein context (NP_068806.2, residues 302-322): WLESCIVGWR[Cys312Ser]RVGQWVRMEN